The following is an entry in ClinVar:

NM_014908.4(DOLK):c.376T>G (p.Ser126Ala)

Gene: DOLK (dolichol kinase; minus strand). Cytogenetic location: 9q34.11.
Variant type: single nucleotide variant.
Coding change: c.376T>G on transcript NM_014908.4 (MANE Select); coding-DNA position 376, T replaced by G.
Protein change: p.Ser126Ala; replaces serine 126 with alanine.
Molecular consequence: missense variant.
Genome position (GRCh38, 1-based): chr9:128,946,928, A>C on the plus strand (T>G on the coding strand, the complement: DOLK is on the minus strand). VCF-style: chr9-128946928-A-C. GRCh37 (hg19) VCF-style: chr9-131709207-A-C.
Other names: short protein forms S126A.
Identifiers: ClinVar variation 575963 (VCV000575963.9), dbSNP rs1564546286, ClinGen allele CA375126106.

ClinVar aggregate classification (germline): Uncertain significance (1 of 4 stars; one submission).

Conditions:
DK1-congenital disorder of glycosylation. Also called: DK1-CDG; DOLK-congenital disorder of glycosylation; Carbohydrate deficient glycoprotein syndrome type 1m; CONGENITAL DISORDER OF GLYCOSYLATION, TYPE Im; CDG Im; DK1 DEFICIENCY. Identifiers: Orphanet 91131, MedGen C1835849, MONDO:0012556, OMIM 610768.

Submission:

Labcorp Genetics (formerly Invitae), Labcorp
Classification: Uncertain significance for DK1-congenital disorder of glycosylation. Last evaluated: 2018-06-21. Review status: criteria provided, single submitter. Criteria: Invitae Variant Classification Sherloc (09022015). Collection method: clinical testing. Allele origin: germline.
Comment: This variant has not been reported in the literature in individuals with DOLK-related disease. This sequence change replaces serine with alanine at codon 126 of the DOLK protein (p.Ser126Ala). The serine residue is highly conserved and there is a moderate physicochemical difference between serine and alanine. This variant is not present in population databases (ExAC no frequency). Algorithms developed to predict the effect of missense changes on protein structure and function are either unavailable or do not agree on the potential impact of this missense change (SIFT: "Deleterious"; PolyPhen-2: "Benign"; Align-GVGD: "Class C0"). In summary, the available evidence is currently insufficient to determine the role of this variant in disease. Therefore, it has been classified as a Variant of Uncertain Significance.